The following is an entry in ClinVar:

NM_005424.5(TIE1):c.1256C>T (p.Ala419Val)

Gene: TIE1 (tyrosine kinase with immunoglobulin like and EGF like domains 1; plus strand). Cytogenetic location: 1p34.2.
Variant type: single nucleotide variant.
Coding change: c.1256C>T on transcript NM_005424.5 (MANE Select); coding-DNA position 1256, C replaced by T.
Protein change: p.Ala419Val; replaces alanine 419 with valine.
Molecular consequence: missense variant.
Genome position (GRCh38, 1-based): chr1:43,309,455, C>T. VCF-style: chr1-43309455-C-T. GRCh37 (hg19) VCF-style: chr1-43775126-C-T.
Other names: c.1121C>T, p.Ala374Val (NM_001253357.2); short protein forms A374V, A419V.
Identifiers: ClinVar variation 3388864 (VCV003388864.14).

ClinVar aggregate classification (germline): Likely benign (1 of 4 stars; one submission).

gnomAD v4.1: 85 of 1,611,984 alleles (0.0053%); highest among the groups gnomAD compares: Non-Finnish European, 0.0065%; 1 homozygote.

Submission:

CeGaT Center for Human Genetics Tuebingen
Classification: Likely benign. Last evaluated: 2024-10-01. Review status: criteria provided, single submitter. Criteria: CeGaT Center For Human Genetics Tuebingen Variant Classification Criteria Version 2. Collection method: clinical testing. Allele origin: germline. Affected: yes. Observed: 1 variant allele.
Comment: TIE1: BP4, BS2